The following is an entry in ClinVar:

ClinVar aggregate classification (germline): Benign. Review status: criteria provided, multiple submitters, no conflicts (2 of 4 stars). 2 submissions from 2 submitters: Benign (2). Last evaluated 2018-06-14.

Allele frequency attached by ClinVar (database versions not stated): gnomAD exomes 0.00480 and 0.01263; ExAC 0.01554; 1000 Genomes Project 0.04832; gnomAD 0.04894 and 0.05260; 1000 Genomes Project 30x 0.04950; TOPMed 0.05516; ESP Exome Variant Server 0.05713.
gnomAD v4.1: 14,683 of 1,598,760 alleles (0.92%); highest among the groups gnomAD compares: African/African-American, 17%; 1,135 homozygotes.

Submissions (2):

GeneDx
Classification: Benign. Last evaluated: 2018-06-14. Review status: criteria provided, single submitter. Criteria: GeneDx Variant Classification (06012015). Collection method: clinical testing. Allele origin: germline. Affected: yes.
Comment: This variant is considered likely benign or benign based on one or more of the following criteria: it is a conservative change, it occurs at a poorly conserved position in the protein, it is predicted to be benign by multiple in silico algorithms, and/or has population frequency not consistent with disease.

Breakthrough Genomics
Classification: Benign. Review status: criteria provided, single submitter. Criteria: ACMG Guidelines, 2015. Collection method: not provided. Allele origin: germline. Inheritance: Autosomal dominant inheritance. Affected: yes.

NM_002524.5(NRAS):c.451-44G>A

Gene: NRAS (NRAS proto-oncogene, GTPase; minus strand). Cytogenetic location: 1p13.2.
Variant type: single nucleotide variant.
Coding change: c.451-44G>A on transcript NM_002524.5 (MANE Select); 44 bases into the intron before coding-DNA position 451, G replaced by A.
Molecular consequence: intron variant.
Genome position (GRCh38, 1-based): chr1:114,708,698, C>T on the plus strand (G>A on the coding strand, the complement: NRAS is on the minus strand). VCF-style: chr1-114708698-C-T. GRCh37 (hg19) VCF-style: chr1-115251319-C-T.
Other names: c.451-44G>A (LRG_92t1).
Identifiers: ClinVar variation 561382 (VCV000561382.2), dbSNP rs9724641, ClinGen allele CA1020698.